The following is an entry in ClinVar:

ClinVar aggregate classification (germline): Likely benign (0 of 4 stars; one submission).

Conditions:
TNPO1-related disorder. Also called: TNPO1-related condition.

Allele frequency attached by ClinVar (database versions not stated): gnomAD exomes 0.00002; ExAC 0.00005; gnomAD 0.00007; TOPMed 0.00007.
gnomAD v4.1: 48 of 1,580,792 alleles (0.003%); highest among the groups gnomAD compares: Admixed American, 0.0071%; no homozygotes.

Submission:

PreventionGenetics, part of Exact Sciences
Classification: Likely benign for TNPO1-related condition. Last evaluated: 2019-05-28. Review status: no assertion criteria provided. Collection method: clinical testing. Allele origin: germline.
Comment: This variant is classified as likely benign based on ACMG/AMP sequence variant interpretation guidelines (Richards et al. 2015 PMID: 25741868, with internal and published modifications).

NM_002270.4(TNPO1):c.-7G>A

Genes: TNPO1 (transportin 1; plus strand), LOC129994036 (ATAC-STARR-seq lymphoblastoid silent region 16084; plus strand). Cytogenetic location: 5q13.2.
Variant type: single nucleotide variant.
Coding change: c.-7G>A on transcript NM_002270.4 (MANE Select); 7 bases upstream of the start codon, G replaced by A.
Molecular consequence: 5 prime UTR variant.
Genome position (GRCh38, 1-based): chr5:72,816,731, G>A. VCF-style: chr5-72816731-G-A. GRCh37 (hg19) VCF-style: chr5-72112558-G-A.
Other names: c.-233G>A (NM_001364292.3); c.-7G>A (NM_001364295.3).
Identifiers: ClinVar variation 3038514 (VCV003038514.2), dbSNP rs777229547, ClinGen allele CA3301091.